The following is an entry in ClinVar:

ClinVar aggregate classification (germline): Uncertain significance (1 of 4 stars; one submission).

Conditions:
Autosomal recessive limb-girdle muscular dystrophy type 2W (MDRCMTT). Also called: Muscular dystrophy, autosomal recessive, with cardiomyopathy and triangular tongue; Muscular dystrophy, limb-girdle, type 2W. Identifiers: MedGen C4225192, MONDO:0014788, OMIM 616827.

Allele frequency attached by ClinVar (database versions not stated): ExAC 0.00002; gnomAD exomes 0.00002; TOPMed 0.00002; 1000 Genomes Project 0.00020; 1000 Genomes Project 30x 0.00031.
gnomAD v4.1: 50 of 1,612,900 alleles (0.0031%); highest among the groups gnomAD compares: Admixed American, 0.005%; no homozygotes.

Submission:

Baylor Genetics
Classification: Uncertain significance for Autosomal recessive limb-girdle muscular dystrophy type 2W. Last evaluated: 2019-05-01. Review status: criteria provided, single submitter. Criteria: ACMG Guidelines, 2015. Collection method: clinical testing. Allele origin: unknown. Affected: yes.
Comment: This variant was determined to be of uncertain significance according to ACMG Guidelines, 2015 [PMID:25741868].

NM_001161403.3(LIMS2):c.359+2701C>T

Genes: GPR17 (G protein-coupled receptor 17; plus strand), LIMS2 (LIM zinc finger domain containing 2; minus strand). Cytogenetic location: 2q14.3.
Variant type: single nucleotide variant.
Coding change: c.359+2701C>T on transcript NM_001161403.3 (MANE Select); 2701 bases into the intron after coding-DNA position 359, C replaced by T.
Molecular consequence: intron variant. On other transcripts: missense variant (4).
Genome position (GRCh38, 1-based): chr2:127,651,723, G>A on the plus strand (C>T on the coding strand, the complement: LIMS2 is on the minus strand). VCF-style: chr2-127651723-G-A. GRCh37 (hg19) VCF-style: chr2-128409297-G-A.
Other names: c.1072G>A, p.Glu358Lys (NM_001161415.2, NM_005291.3); c.988G>A, p.Glu330Lys (NM_001161416.2, NM_001161417.2); c.344+2701C>T (NM_001161404.2); c.425+2701C>T (NM_001136037.4); c.431+2701C>T (NM_017980.5); short protein forms E330K, E358K.
Identifiers: ClinVar variation 1029142 (VCV001029142.1), dbSNP rs562945179, ClinGen allele CA1863395.